The following is an entry in ClinVar:

ClinVar aggregate classification (germline): Uncertain significance. Review status: criteria provided, multiple submitters, no conflicts (2 of 4 stars). 3 submissions from 3 submitters: Uncertain significance (3). Last evaluated 2021-09-05.

Conditions:
Glycogen storage disease, type II (IOPD). Also called: GLYCOGENOSIS, GENERALIZED, CARDIAC FORM; GSD II; Pompe Disease; Glycogen storage disease type 2; Acid maltase deficiency disease; Aglucosidase alfa. Identifiers: Orphanet 365, MedGen C0017921, MONDO:0009290, OMIM 232300.

Allele frequency attached by ClinVar (database versions not stated): TOPMed 0.00001; ESP Exome Variant Server 0.00008.
gnomAD v4.1: 18 of 1,611,444 alleles (0.0011%); highest among the groups gnomAD compares: Non-Finnish European, 0.0014%; no homozygotes.

Submissions (3):

Genome-Nilou Lab
Classification: Uncertain significance for Glycogen storage disease, type II. Last evaluated: 2021-09-05. Review status: criteria provided, single submitter. Criteria: ACMG Guidelines, 2015. Collection method: clinical testing. Allele origin: germline. Affected: no.

Labcorp Genetics (formerly Invitae), Labcorp
Classification: Uncertain significance for Glycogen storage disease, type II. Last evaluated: 2021-08-26. Review status: criteria provided, single submitter. Criteria: Invitae Variant Classification Sherloc (09022015). Collection method: clinical testing. Allele origin: germline.
Comment: This sequence change replaces histidine with glutamine at codon 308 of the GAA protein (p.His308Gln). The histidine residue is highly conserved and there is a small physicochemical difference between histidine and glutamine. This variant is present in population databases (rs370105640, ExAC 0.01%). This variant has not been reported in the literature in individuals affected with GAA-related conditions. ClinVar contains an entry for this variant (Variation ID: 594706). Algorithms developed to predict the effect of missense changes on protein structure and function are either unavailable or do not agree on the potential impact of this missense change (SIFT: "Tolerated"; PolyPhen-2: "Probably Damaging"; Align-GVGD: "Class C0"). This variant disrupts the p.His308 amino acid residue in GAA. Other variant(s) that disrupt this residue have been observed in individuals with GAA-related conditions (PMID: 11071489, 14695532), which suggests that this may be a clinically significant amino acid residue. In summary, the available evidence is currently insufficient to determine the role of this variant in disease. Therefore, it has been classified as a Variant of Uncertain Significance.

Eurofins Ntd Llc (ga)
Classification: Uncertain significance. Last evaluated: 2017-10-27. Review status: criteria provided, single submitter. Criteria: EGL Classification Definitions 2015. Collection method: clinical testing. Allele origin: germline. Observed: 1 variant allele, 1 heterozygote.

Literature cited by the submitters: PubMed 11071489 (cited by Labcorp Genetics (formerly Invitae), Labcorp); PubMed 14695532 (cited by Labcorp Genetics (formerly Invitae), Labcorp).

NM_000152.5(GAA):c.924C>A (p.His308Gln)

Gene: GAA (alpha glucosidase; plus strand). Cytogenetic location: 17q25.3.
Variant type: single nucleotide variant.
Coding change: c.924C>A on transcript NM_000152.5 (MANE Select); coding-DNA position 924, C replaced by A.
Protein change: p.His308Gln; replaces histidine 308 with glutamine.
Molecular consequence: missense variant.
Genome position (GRCh38, 1-based): chr17:80,107,865, C>A. VCF-style: chr17-80107865-C-A. GRCh37 (hg19) VCF-style: chr17-78081664-C-A.
Other names: c.924C>A, p.His308Gln (NM_001079803.3, NM_001079804.3); short protein forms H308Q.
Identifiers: ClinVar variation 594706 (VCV000594706.14), dbSNP rs370105640, ClinGen allele CA8815090.
Genomic context (GRCh38, chr17:80,107,865, plus strand): 5'-TGCGAACCTCTACGGGTCTCACCCTTTCTACCTGGCGCTGGAGGACGGCGGGTCGGCACA[C>A]GGGGTGTTCCTGCTAAACAGCAATGCCATGGGTAAGCTGCCCGCCGCCCAGCGCCCGGGC-3'
Protein context (NP_000143.2, residues 298-318): YLALEDGGSA[His308Gln]GVFLLNSNAM